The following is an entry in ClinVar:

ClinVar aggregate classification (germline): Uncertain significance (1 of 4 stars; one submission).

Allele frequency attached by ClinVar (database versions not stated): gnomAD exomes below 0.00001.
gnomAD v4.1: 1 of 1,564,364 alleles (0.000064%); highest among the groups gnomAD compares: Non-Finnish European, 0.000087%; no homozygotes.

Submission:

Labcorp Genetics (formerly Invitae), Labcorp
Classification: Uncertain significance. Last evaluated: 2022-09-15. Review status: criteria provided, single submitter. Criteria: Invitae Variant Classification Sherloc (09022015). Collection method: clinical testing. Allele origin: germline.
Comment: Algorithms developed to predict the effect of missense changes on protein structure and function are either unavailable or do not agree on the potential impact of this missense change (SIFT: "Deleterious"; PolyPhen-2: "Probably Damaging"; Align-GVGD: "Class C15"). ClinVar contains an entry for this variant (Variation ID: 1374454). This variant has not been reported in the literature in individuals affected with ARHGEF1-related conditions. This variant is not present in population databases (gnomAD no frequency). This sequence change replaces glycine, which is neutral and non-polar, with arginine, which is basic and polar, at codon 245 of the ARHGEF1 protein (p.Gly245Arg). In summary, the available evidence is currently insufficient to determine the role of this variant in disease. Therefore, it has been classified as a Variant of Uncertain Significance. Algorithms developed to predict the effect of sequence changes on RNA splicing suggest that this variant may create or strengthen a splice site.

NM_004706.4(ARHGEF1):c.688G>A (p.Gly230Arg)

Gene: ARHGEF1 (Rho guanine nucleotide exchange factor 1; plus strand). Cytogenetic location: 19q13.2.
Variant type: single nucleotide variant.
Coding change: c.688G>A on transcript NM_004706.4 (MANE Select); coding-DNA position 688, G replaced by A.
Protein change: p.Gly230Arg; replaces glycine 230 with arginine.
Molecular consequence: missense variant.
Genome position (GRCh38, 1-based): chr19:41,894,250, G>A. VCF-style: chr19-41894250-G-A. GRCh37 (hg19) VCF-style: chr19-42398323-G-A.
Other names: c.589G>A, p.Gly197Arg (NM_198977.2); c.733G>A, p.Gly245Arg (NM_199002.2); short protein forms G245R, G197R, G230R.
Identifiers: ClinVar variation 1374454 (VCV001374454.6), dbSNP rs2123431450, ClinGen allele CA406051622.